The following is an entry in ClinVar:

ClinVar aggregate classification (germline): Benign/Likely benign. Review status: criteria provided, multiple submitters, no conflicts (2 of 4 stars). 7 submissions from 7 submitters: Benign (1); Likely benign (6). Last evaluated 2026-09-28.

Conditions:
Hereditary cancer-predisposing syndrome. Also called: Hereditary Cancer Syndrome; Tumor predisposition; Hereditary neoplastic syndrome; Neoplastic Syndromes, Hereditary. Identifiers: Orphanet 140162, MedGen C0027672, MeSH D009386, MONDO:0015356.
Cardiovascular phenotype. Identifiers: MedGen CN230736.
Neurofibromatosis, type 1 (NF1). Also called: Peripheral type neurofibromatosis; Neurofibromatosis, type I; VON RECKLINGHAUSEN DISEASE; NEUROFIBROMATOSIS, TYPE I, SOMATIC. Identifiers: Orphanet 636, MedGen C0027831, MONDO:0018975, OMIM 162200. Disease mechanism: loss of function.

Allele frequency attached by ClinVar (database versions not stated): TOPMed 0.00003.

Submissions (7):

Myriad Genetics, Inc.
Classification: Benign for Neurofibromatosis, type 1. Last evaluated: 2026-09-28. Review status: criteria provided, single submitter. Criteria: Myriad Autosomal Dominant, Autosomal Recessive and X-Linked Classification Criteria (2023). Collection method: clinical testing. Allele origin: unknown.
Comment: This variant is considered benign. This variant is a silent/synonymous amino acid change and it is not expected to impact splicing.

Labcorp Genetics (formerly Invitae), Labcorp
Classification: Likely benign for Neurofibromatosis, type 1. Last evaluated: 2025-11-07. Review status: criteria provided, single submitter. Criteria: Invitae Variant Classification Sherloc (09022015). Collection method: clinical testing. Allele origin: germline.

Genome-Nilou Lab
Classification: Likely benign for Neurofibromatosis, type 1. Last evaluated: 2022-03-15. Review status: criteria provided, single submitter. Criteria: ACMG Guidelines, 2015. Collection method: clinical testing. Allele origin: germline. Affected: no.

Sema4
Classification: Likely benign for Hereditary cancer-predisposing syndrome. Last evaluated: 2021-04-22. Review status: criteria provided, single submitter. Criteria: Sema4 Curation Guidelines. Collection method: curation. Allele origin: germline.

GeneDx
Classification: Likely benign. Last evaluated: 2020-09-02. Review status: criteria provided, single submitter. Criteria: GeneDx Variant Classification Process June 2021. Collection method: clinical testing. Allele origin: germline. Affected: yes.

Laboratory for Molecular Medicine, Mass General Brigham Personalized Medicine
Classification: Likely benign. Last evaluated: 2015-12-09. Review status: criteria provided, single submitter. Criteria: LMM Criteria. Collection method: clinical testing. Allele origin: germline. Observed: 1 variant allele.
Comment: p.Leu484Leu in exon 13 of NF1: This variant is not expected to have clinical sig nificance because it does not alter an amino acid residue and is not located wit hin the splice consensus sequence.

Ambry Genetics
Classification: Likely benign for Cardiovascular phenotype; Hereditary cancer-predisposing syndrome. Last evaluated: 2015-05-10. Review status: criteria provided, single submitter. Criteria: Ambry General Variant Classification Scheme_2022. Collection method: clinical testing. Allele origin: germline. Observed: 1 variant allele.

NM_001042492.3(NF1):c.1450C>T (p.Leu484=)

Gene: NF1 (neurofibromin 1; plus strand). Cytogenetic location: 17q11.2.
Variant type: single nucleotide variant.
Coding change: c.1450C>T on transcript NM_001042492.3 (MANE Select); coding-DNA position 1450, C replaced by T.
Protein change: p.Leu484=; no amino-acid change (leucine 484 retained).
Molecular consequence: synonymous variant.
Genome position (GRCh38, 1-based): chr17:31,214,508, C>T. VCF-style: chr17-31214508-C-T. GRCh37 (hg19) VCF-style: chr17-29541526-C-T.
Other names: c.1450C>T, p.Leu484= (NM_000267.4, NM_001128147.3).
Identifiers: ClinVar variation 227740 (VCV000227740.23), dbSNP rs876657544, ClinGen allele CA10577031.